The following is an entry in ClinVar:

NM_004523.4(KIF11):c.2257A>T (p.Asn753Tyr)

Gene: KIF11 (kinesin family member 11; plus strand). Cytogenetic location: 10q23.33.
Variant type: single nucleotide variant.
Coding change: c.2257A>T on transcript NM_004523.4 (MANE Select); coding-DNA position 2257, A replaced by T.
Protein change: p.Asn753Tyr; replaces asparagine 753 with tyrosine.
Molecular consequence: missense variant.
Genome position (GRCh38, 1-based): chr10:92,639,890, A>T. VCF-style: chr10-92639890-A-T. GRCh37 (hg19) VCF-style: chr10-94399647-A-T.
Other names: short protein forms N753Y.
Identifiers: ClinVar variation 1508725 (VCV001508725.8), dbSNP rs1206236536, ClinGen allele CA377593797.

ClinVar aggregate classification (germline): Uncertain significance (1 of 4 stars; one submission).

Allele frequency attached by ClinVar (database versions not stated): gnomAD exomes below 0.00001; TOPMed below 0.00001.
gnomAD v4.1: 1 of 1,546,830 alleles (0.000065%); highest among the groups gnomAD compares: Admixed American, 0.0017%; no homozygotes.

Submission:

Labcorp Genetics (formerly Invitae), Labcorp
Classification: Uncertain significance. Last evaluated: 2021-02-09. Review status: criteria provided, single submitter. Criteria: Invitae Variant Classification Sherloc (09022015). Collection method: clinical testing. Allele origin: germline.
Comment: In summary, the available evidence is currently insufficient to determine the role of this variant in disease. Therefore, it has been classified as a Variant of Uncertain Significance. Algorithms developed to predict the effect of missense changes on protein structure and function are either unavailable or do not agree on the potential impact of this missense change (SIFT: "Deleterious"; PolyPhen-2: "Benign"; Align-GVGD: "Class C45"). This variant has not been reported in the literature in individuals with KIF11-related conditions. This variant is not present in population databases (ExAC no frequency). This sequence change replaces asparagine with tyrosine at codon 753 of the KIF11 protein (p.Asn753Tyr). The asparagine residue is highly conserved and there is a large physicochemical difference between asparagine and tyrosine.